The following is an entry in ClinVar:

NM_004656.4(BAP1):c.1507T>A (p.Phe503Ile)

Gene: BAP1 (BRCA1 associated deubiquitinase 1; minus strand). Cytogenetic location: 3p21.1.
Variant type: single nucleotide variant.
Coding change: c.1507T>A on transcript NM_004656.4 (MANE Select); coding-DNA position 1507, T replaced by A.
Protein change: p.Phe503Ile; replaces phenylalanine 503 with isoleucine.
Molecular consequence: missense variant.
Genome position (GRCh38, 1-based): chr3:52,403,638, A>T on the plus strand (T>A on the coding strand, the complement: BAP1 is on the minus strand). VCF-style: chr3-52403638-A-T. GRCh37 (hg19) VCF-style: chr3-52437654-A-T.
Other names: c.1453T>A, p.Phe485Ile (NM_001410772.1); short protein forms F503I, F485I.
Identifiers: ClinVar variation 4741030 (VCV004741030.1).

ClinVar aggregate classification (germline): Uncertain significance (1 of 4 stars; one submission).

Conditions:
BAP1-related tumor predisposition syndrome (TPDS1). Also called: TUMOR PREDISPOSITION SYNDROME 1; BAP1 tumor predisposition syndrome; Tumor susceptibility linked to germline BAP1 mutations; COMMON Syndrome. Identifiers: Orphanet 289539, MedGen C3280492, MONDO:0013692, OMIM 614327.

Submission:

Labcorp Genetics (formerly Invitae), Labcorp
Classification: Uncertain significance for BAP1-related tumor predisposition syndrome. Last evaluated: 2025-07-03. Review status: criteria provided, single submitter. Criteria: Invitae Variant Classification Sherloc (09022015). Collection method: clinical testing. Allele origin: germline.
Comment: This sequence change replaces phenylalanine, which is neutral and non-polar, with isoleucine, which is neutral and non-polar, at codon 503 of the BAP1 protein (p.Phe503Ile). This variant is not present in population databases (gnomAD no frequency). This variant has not been reported in the literature in individuals affected with BAP1-related conditions. Invitae Evidence Modeling of protein sequence and biophysical properties (such as structural, functional, and spatial information, amino acid conservation, physicochemical variation, residue mobility, and thermodynamic stability) has been performed for this missense variant. However, the output from this modeling did not meet the statistical confidence thresholds required to predict the impact of this variant on BAP1 protein function. In summary, the available evidence is currently insufficient to determine the role of this variant in disease. Therefore, it has been classified as a Variant of Uncertain Significance.